The following is an entry in ClinVar:

NM_016306.6(DNAJB11):c.616C>T (p.Arg206Ter)

Gene: DNAJB11 (DnaJ heat shock protein family (Hsp40) member B11; plus strand). Cytogenetic location: 3q27.3.
Variant type: single nucleotide variant.
Coding change: c.616C>T on transcript NM_016306.6 (MANE Select); coding-DNA position 616, C replaced by T.
Protein change: p.Arg206Ter; replaces arginine 206 with a stop codon.
Molecular consequence: nonsense. On other transcripts: non-coding transcript variant (6).
Genome position (GRCh38, 1-based): chr3:186,582,011, C>T. VCF-style: chr3-186582011-C-T. GRCh37 (hg19) VCF-style: chr3-186299800-C-T.
Other names: p.Arg206*; c.340C>T, p.Arg114Ter (NM_001378451.1); c.616C>T (NM_016306.4); short protein forms R206*, R114*.
Identifiers: ClinVar variation 549851 (VCV000549851.8), dbSNP rs941713150, ClinGen allele CA89645084.

ClinVar aggregate classification (germline): Pathogenic. Review status: criteria provided, multiple submitters, no conflicts (2 of 4 stars). 7 submissions from 7 submitters: Pathogenic (5). 2 of the submissions do not count toward it. Last evaluated 2026-01-30.

Conditions:
Polycystic kidney disease 6 with or without polycystic liver disease. Also called: Autosomal Dominant Polycystic Kidney Disease-DNAJB11. Identifiers: MedGen C4748044, MONDO:0054842, OMIM 618061.
Autosomal dominant polycystic kidney disease. Identifiers: Orphanet 730, MedGen C0085413, MONDO:0004691.

Allele frequency attached by ClinVar (database versions not stated): gnomAD exomes below 0.00001; gnomAD 0.00001; TOPMed 0.00001.
gnomAD v4.1: 6 of 1,613,314 alleles (0.00037%); highest among the groups gnomAD compares: Non-Finnish European, 0.00034%; no homozygotes.

Submissions (7):

Mayo Translational Polycystic Kidney Disease Center, Mayo Clinic
Classification: Pathogenic for Autosomal dominant polycystic kidney disease. Last evaluated: 2026-01-30. Review status: criteria provided, single submitter. Criteria: ACMG Guidelines, 2015. Collection method: research. Allele origin: germline. Inheritance: Autosomal dominant inheritance. Affected: yes.
Comment: The c.616C>T variant in the DNAJB11 gene results in a premature stop codon at position 206 (p.Arg206Ter), predicted to produce a truncated protein lacking essential functional domains. This type of nonsense mutation is expected to lead to loss of function via production of a non-functional protein, meeting the PVS1 criterion. The variant is extremely rare (<0.01%) in gnomAD v4.1.0, fulfilling PM2. Loss-of-function mutations in DNAJB11 are a known mechanism of disease, particularly associated with atypical autosomal dominant polycystic kidney disease. This specific variant has been reported in individuals with kidney and/or liver cystic disease (PMIDs: 29706351, 32631624), providing supporting evidence for PP4 based on phenotype–genotype consistency. Based on the nature of the mutation, its rarity, established disease mechanism, and supporting clinical reports, this variant is best classified as pathogenic.

Victorian Clinical Genetics Services, Murdoch Childrens Research Institute
Classification: Pathogenic for Polycystic kidney disease 6 with or without polycystic liver disease. Last evaluated: 2025-08-17. Review status: criteria provided, single submitter. Criteria: ACMG Guidelines, 2015. Collection method: clinical testing. Allele origin: germline. Affected: yes.
Comment: This variant is classified as Pathogenic. Evidence in support of pathogenic classification: Variant is predicted to cause nonsense-mediated decay (NMD) and loss of protein (premature termination codon is located at least 54 nucleotides upstream of the final exon-exon junction); Variant is present in gnomAD <0.001 for a dominant condition (v4: 6 heterozygote(s), 0 homozygote(s)); This variant has strong previous evidence of pathogenicity in unrelated individuals. This variant has been reported as pathogenic, and observed in multiple unrelated families with polycystic kidney disease (ClinVar, PMID: 32631624, PMID: 29706351); Other NMD-predicted variants comparable to the one identified in this case have very strong previous evidence for pathogenicity. These variants have been reported as pathogenic, and observed in individuals with DNAJB11-related kidney disease (ClinVar, PMID: 32631624). Additional information: This variant is heterozygous; This gene is associated with autosomal dominant disease. However, there is emerging evidence of a recessive association (PMID: 33129895, PMID: 34177435); Loss of function is a known mechanism of disease in this gene and is associated with polycystic kidney disease 6 with or without polycystic liver disease (MIM#618061); Inheritance information for this variant is not currently available in this individual.

Mayo Clinic Laboratories, Mayo Clinic
Classification: Pathogenic. Last evaluated: 2025-04-17. Review status: criteria provided, single submitter. Criteria: ACMG Guidelines, 2015. Collection method: clinical testing. Allele origin: germline. Observed: 1 variant allele.
Comment: PP1_strong, PM2_supporting, PS4, PVS1

Molecular Genetics of Inherited Kidney Disorders Laboratory, Garvan Institute of Medical Research
Classification: Pathogenic. Last evaluated: 2019-01-01. Review status: criteria provided, single submitter. Criteria: ACMG Guidelines, 2015. Collection method: clinical testing. Allele origin: germline. Affected: yes.

SIB Swiss Institute of Bioinformatics
Classification: Pathogenic for Polycystic kidney disease 6 with or without polycystic liver disease. Last evaluated: 2018-10-15. Review status: criteria provided, single submitter. Criteria: ACMG Guidelines, 2015. Collection method: curation. Allele origin: germline.
Comment: This variant is interpreted as Pathogenic, for Polycystic kidney disease 6 with or without polycystic liver disease, autosomal dominant. The following ACMG Tag(s) were applied: PVS1-Strong => PVS1 downgraded in strength to Strong. PM2 => Absent from controls (or at extremely low frequency if recessive) in Exome Sequencing Project, 1000 Genomes Project, or Exome Aggregation Consortium. PP1-Strong => PP1 upgraded in strength to Strong.

Diagnostics Centre, Carl Von Ossietzky University Oldenburg
Classification: Pathogenic for Polycystic kidney disease 6 with or without polycystic liver disease. Last evaluated: 2024-11-04. Review status: no assertion criteria provided. Collection method: clinical testing. Allele origin: germline. Affected: yes. Observed: 1 variant allele. Not counted in ClinVar's aggregate classification.
Comment: This change results in the formation of a premature stop codon at protein position 206. The variant affects an exon [6/10] present in a biologically relevant transcript and is predicted to cause protein truncation/absent due to nonsense mediated decay in a gene where loss-of-function is a known mechanism of disease. The variant is likely to be associated to polycystic kidney disease and has been reported in multiple unrelated individuals affected with [DNAJB11]- associated disorders (PMID: 32631624, 29706351). Segregation of the variant with the disease has been demonstrated (PMID: 29706351). This variant has been classified in four entries in ClinVar as pathogenic (ClinVar ID: 549851). This variant is classified as very rare in the overall population (MAF 3,79 * e-6 in gnomAD, v4.1.0). In summary, the variant is classified as pathogenic.

OMIM
Classification: Pathogenic for POLYCYSTIC KIDNEY DISEASE 6 WITH OR WITHOUT POLYCYSTIC LIVER DISEASE. Last evaluated: 2018-07-27. Review status: no assertion criteria provided. Collection method: literature only. Allele origin: germline. Not counted in ClinVar's aggregate classification.

Literature cited by the submitters: PubMed 29706351 (cited by 5 submitters); PubMed 32631624 (cited by 4 submitters); PubMed 33129895 (cited by Victorian Clinical Genetics Services, Murdoch Childrens Research Institute); PubMed 34177435 (cited by Victorian Clinical Genetics Services, Murdoch Childrens Research Institute); PubMed 33437033 (cited by Mayo Clinic Laboratories, Mayo Clinic).